The following is an entry in ClinVar:

NM_012414.4(RAB3GAP2):c.2509G>T (p.Ala837Ser)

Gene: RAB3GAP2 (RAB3 GTPase activating non-catalytic protein subunit 2; minus strand). Cytogenetic location: 1q41.
Variant type: single nucleotide variant.
Coding change: c.2509G>T on transcript NM_012414.4 (MANE Select); coding-DNA position 2509, G replaced by T.
Protein change: p.Ala837Ser; replaces alanine 837 with serine.
Molecular consequence: missense variant.
Genome position (GRCh38, 1-based): chr1:220,171,957, C>A on the plus strand (G>T on the coding strand, the complement: RAB3GAP2 is on the minus strand). VCF-style: chr1-220171957-C-A. GRCh37 (hg19) VCF-style: chr1-220345299-C-A.
Other names: short protein forms A837S.
Identifiers: ClinVar variation 2189746 (VCV002189746.4), dbSNP rs781119569, ClinGen allele CA344638506.

ClinVar aggregate classification (germline): Uncertain significance (1 of 4 stars; one submission).

Conditions:
Martsolf syndrome (MARTS). Also called: Congenital cataract with intellectual disability and hypogonadotropic hypogonadism syndrome. Identifiers: Orphanet 1387, MedGen C0796037, MONDO:0023910.
Warburg micro syndrome 2 (WARBM2). Also called: MICRO SYNDROME 2. Identifiers: Orphanet 2510, MedGen C3280214, MONDO:0013641, OMIM 614225.

Submission:

Labcorp Genetics (formerly Invitae), Labcorp
Classification: Uncertain significance for Martsolf syndrome; Warburg micro syndrome 2. Last evaluated: 2026-01-12. Review status: criteria provided, single submitter. Criteria: Invitae Variant Classification Sherloc (09022015). Collection method: clinical testing. Allele origin: germline.
Comment: This sequence change replaces alanine, which is neutral and non-polar, with serine, which is neutral and polar, at codon 837 of the RAB3GAP2 protein (p.Ala837Ser). This variant is not present in population databases (gnomAD no frequency). This variant has not been reported in the literature in individuals affected with RAB3GAP2-related conditions. ClinVar contains an entry for this variant (Variation ID: 2189746). Invitae Evidence Modeling of protein sequence and biophysical properties (such as structural, functional, and spatial information, amino acid conservation, physicochemical variation, residue mobility, and thermodynamic stability) indicates that this missense variant is not expected to disrupt RAB3GAP2 protein function with a negative predictive value of 80%. In summary, the available evidence is currently insufficient to determine the role of this variant in disease. Therefore, it has been classified as a Variant of Uncertain Significance.